The following is an entry in ClinVar:

ClinVar aggregate classification (germline): Uncertain significance (1 of 4 stars; one submission).

Conditions:
Developmental and epileptic encephalopathy, 30 (DEE30). Also called: Epileptic encephalopathy, early infantile, 30. Identifiers: MedGen C4225360, MONDO:0014595, OMIM 616341.

Submission:

Labcorp Genetics (formerly Invitae), Labcorp
Classification: Uncertain significance for Developmental and epileptic encephalopathy, 30. Last evaluated: 2022-03-23. Review status: criteria provided, single submitter. Criteria: Invitae Variant Classification Sherloc (09022015). Collection method: clinical testing. Allele origin: germline.
Comment: In summary, the available evidence is currently insufficient to determine the role of this variant in disease. Therefore, it has been classified as a Variant of Uncertain Significance. Advanced modeling of protein sequence and biophysical properties (such as structural, functional, and spatial information, amino acid conservation, physicochemical variation, residue mobility, and thermodynamic stability) performed at Invitae indicates that this missense variant is not expected to disrupt SIK1 protein function. ClinVar contains an entry for this variant (Variation ID: 568636). This variant has not been reported in the literature in individuals affected with SIK1-related conditions. This variant is not present in population databases (gnomAD no frequency). This sequence change replaces proline, which is neutral and non-polar, with alanine, which is neutral and non-polar, at codon 692 of the SIK1 protein (p.Pro692Ala).

NM_173354.5(SIK1):c.2074C>G (p.Pro692Ala)

Gene: SIK1 (salt inducible kinase 1; minus strand). Cytogenetic location: 21q22.3.
Variant type: single nucleotide variant.
Coding change: c.2074C>G on transcript NM_173354.5 (MANE Select); coding-DNA position 2074, C replaced by G.
Protein change: p.Pro692Ala; replaces proline 692 with alanine.
Molecular consequence: missense variant.
Genome position (GRCh38, 1-based): chr21:43,417,020, G>C on the plus strand (C>G on the coding strand, the complement: SIK1 is on the minus strand). VCF-style: chr21-43417020-G-C. GRCh37 (hg19) VCF-style: chr21-44836900-G-C.
Other names: short protein forms P692A.
Identifiers: ClinVar variation 568636 (VCV000568636.9), dbSNP rs1569013982, ClinGen allele CA410606704.